The following is an entry in ClinVar:

NM_000245.4(MET):c.3246A>G (p.Glu1082=)

Gene: MET (MET proto-oncogene, receptor tyrosine kinase; plus strand). Cytogenetic location: 7q31.2.
Variant type: single nucleotide variant.
Coding change: c.3246A>G on transcript NM_000245.4 (MANE Select); coding-DNA position 3246, A replaced by G.
Protein change: p.Glu1082=; no amino-acid change (glutamic acid 1082 retained).
Molecular consequence: synonymous variant.
Genome position (GRCh38, 1-based): chr7:116,775,098, A>G. VCF-style: chr7-116775098-A-G. GRCh37 (hg19) VCF-style: chr7-116415152-A-G.
Other names: c.3300A>G, p.Glu1100= (NM_001127500.3); c.1956A>G, p.Glu652= (NM_001324402.2).
Identifiers: ClinVar variation 1729975 (VCV001729975.3), dbSNP rs1794955289, ClinGen allele CA457218478.
Genomic context (GRCh38, chr7:116,775,098, plus strand): 5'-GGTCCAGGCAGTGCAGCATGTAGTGATTGGGCCCAGTAGCCTGATTGTGCATTTCAATGA[A>G]GTCATAGGAAGAGGTAAGTATTTCCACTCAGCTTTTTGTTAAATACGATTTTCCAGTAAG-3'
Protein context (NP_000236.2, residues 1072-1092): GPSSLIVHFN[Glu1082=]VIGRGHFGCV

ClinVar aggregate classification (germline): Benign/Likely benign. Review status: criteria provided, multiple submitters, no conflicts (2 of 4 stars). 2 submissions from 2 submitters: Benign (1); Likely benign (1). Last evaluated 2024-11-13.

Conditions:
Hereditary cancer-predisposing syndrome. Also called: Neoplastic Syndromes, Hereditary; Tumor predisposition; Hereditary Cancer Syndrome; Hereditary neoplastic syndrome. Identifiers: Orphanet 140162, MedGen C0027672, MeSH D009386, MONDO:0015356.
Papillary renal cell carcinoma type 1 (RCCP1). Also called: RENAL CELL CARCINOMA, PAPILLARY, 1, SOMATIC; Renal adenocarcinoma; Renal cell carcinoma 1; Renal cell carcinoma, somatic. Identifiers: Orphanet 47044, MedGen C1336839, OMIM 605074, HP:0011797.

Submissions (2):

Myriad Genetics, Inc.
Classification: Benign for Papillary renal cell carcinoma type 1. Last evaluated: 2024-11-13. Review status: criteria provided, single submitter. Criteria: Myriad Autosomal Dominant, Autosomal Recessive and X-Linked Classification Criteria (2023). Collection method: clinical testing. Allele origin: unknown.
Comment: This variant is considered benign. This variant is a silent/synonymous amino acid change and it is not expected to impact splicing.

Ambry Genetics
Classification: Likely benign for Hereditary cancer-predisposing syndrome. Last evaluated: 2019-10-01. Review status: criteria provided, single submitter. Criteria: Ambry Variant Classification Scheme 2023. Collection method: clinical testing. Allele origin: germline.